The following is an entry in ClinVar:

ClinVar aggregate classification (germline): Uncertain significance (1 of 4 stars; one submission).

Conditions:
Popliteal pterygium syndrome (PPS). Identifiers: Orphanet 294963, MedGen C0265259, MONDO:0017435.
Orofacial cleft 6, susceptibility to (OFC6). Also called: CLEFT LIP WITH OR WITHOUT CLEFT PALATE, NONSYNDROMIC, 6. Identifiers: MedGen C1837213, MONDO:0012141, OMIM 608864.
Van der Woude syndrome. Identifiers: Orphanet 888, MedGen C0175697, MONDO:0019508.

Submission:

Labcorp Genetics (formerly Invitae), Labcorp
Classification: Uncertain significance for Orofacial cleft 6, susceptibility to; Van der Woude syndrome; Popliteal pterygium syndrome. Last evaluated: 2025-04-03. Review status: criteria provided, single submitter. Criteria: Invitae Variant Classification Sherloc (09022015). Collection method: clinical testing. Allele origin: germline.
Comment: This sequence change replaces leucine, which is neutral and non-polar, with arginine, which is basic and polar, at codon 352 of the IRF6 protein (p.Leu352Arg). This variant is not present in population databases (gnomAD no frequency). This missense change has been observed in individuals with clinical features of van der Woude syndrome (internal data). ClinVar contains an entry for this variant (Variation ID: 464461). Invitae Evidence Modeling of protein sequence and biophysical properties (such as structural, functional, and spatial information, amino acid conservation, physicochemical variation, residue mobility, and thermodynamic stability) has been performed for this missense variant. However, the output from this modeling did not meet the statistical confidence thresholds required to predict the impact of this variant on IRF6 protein function. In summary, the available evidence is currently insufficient to determine the role of this variant in disease. Therefore, it has been classified as a Variant of Uncertain Significance.

NM_006147.4(IRF6):c.1055T>G (p.Leu352Arg)

Gene: IRF6 (interferon regulatory factor 6; minus strand). Cytogenetic location: 1q32.2.
Variant type: single nucleotide variant.
Coding change: c.1055T>G on transcript NM_006147.4 (MANE Select); coding-DNA position 1055, T replaced by G.
Protein change: p.Leu352Arg; replaces leucine 352 with arginine.
Molecular consequence: missense variant.
Genome position (GRCh38, 1-based): chr1:209,790,500, A>C on the plus strand (T>G on the coding strand, the complement: IRF6 is on the minus strand). VCF-style: chr1-209790500-A-C. GRCh37 (hg19) VCF-style: chr1-209963845-A-C.
Other names: c.770T>G, p.Leu257Arg (NM_001206696.2); short protein forms L352R, L257R.
Identifiers: ClinVar variation 464461 (VCV000464461.10), dbSNP rs1553247744, ClinGen allele CA344575029.